The following is an entry in ClinVar:

NM_001854.4(COL11A1):c.4869G>T (p.Trp1623Cys)

Gene: COL11A1 (collagen type XI alpha 1 chain; minus strand). Cytogenetic location: 1p21.1.
Variant type: single nucleotide variant.
Coding change: c.4869G>T on transcript NM_001854.4 (MANE Select); coding-DNA position 4869, G replaced by T.
Protein change: p.Trp1623Cys; replaces tryptophan 1623 with cysteine.
Molecular consequence: missense variant. On other transcripts: non-coding transcript variant (1).
Genome position (GRCh38, 1-based): chr1:102,883,301, C>A on the plus strand (G>T on the coding strand, the complement: COL11A1 is on the minus strand). VCF-style: chr1-102883301-C-A. GRCh37 (hg19) VCF-style: chr1-103348857-C-A.
Other names: c.4869G>T (NM_001854.3); c.4905G>T, p.Trp1635Cys (NM_080629.3); c.4521G>T, p.Trp1507Cys (NM_080630.4, NM_001168249.1); c.4752G>T, p.Trp1584Cys (NM_001190709.2); short protein forms W1623C, W1507C, W1584C, W1635C.
Identifiers: ClinVar variation 1967384 (VCV001967384.6), dbSNP rs1650494417, ClinGen allele CA341211658.
Genomic context (GRCh38, chr1:102,883,301, plus strand): 5'-AGATGTGAAATTACAGTAAACTTTGAAGGAATCTCCTGAGCAACCTTGGTTAGGATCAAT[C>A]CAATATTCACCTAGAAGGTAGCAAAAAATATGTCATATAAAAATTCATTGACATCATTGT-3'
Protein context (NP_001845.3, residues 1613-1633): SHPDFPDGEY[Trp1623Cys]IDPNQGCSGD

ClinVar aggregate classification (germline): Uncertain significance. Review status: criteria provided, multiple submitters, no conflicts (2 of 4 stars). 2 submissions from 2 submitters: Uncertain significance (2). Last evaluated 2025-02-12.

Allele frequency attached by ClinVar (database versions not stated): TOPMed below 0.00001.

Submissions (2):

GeneDx
Classification: Uncertain significance. Last evaluated: 2025-02-12. Review status: criteria provided, single submitter. Criteria: GeneDx Variant Classification Process June 2021. Collection method: clinical testing. Allele origin: germline. Affected: yes.
Comment: Not observed at significant frequency in large population cohorts (gnomAD); In silico analysis supports that this missense variant has a deleterious effect on protein structure/function; Has not been previously published as pathogenic or benign to our knowledge

Labcorp Genetics (formerly Invitae), Labcorp
Classification: Uncertain significance. Last evaluated: 2024-03-18. Review status: criteria provided, single submitter. Criteria: Invitae Variant Classification Sherloc (09022015). Collection method: clinical testing. Allele origin: germline.
Comment: This sequence change replaces tryptophan, which is neutral and slightly polar, with cysteine, which is neutral and slightly polar, at codon 1623 of the COL11A1 protein (p.Trp1623Cys). This variant is not present in population databases (gnomAD no frequency). This variant has not been reported in the literature in individuals affected with COL11A1-related conditions. ClinVar contains an entry for this variant (Variation ID: 1967384). Advanced modeling of protein sequence and biophysical properties (such as structural, functional, and spatial information, amino acid conservation, physicochemical variation, residue mobility, and thermodynamic stability) has been performed at Invitae for this missense variant, however the output from this modeling did not meet the statistical confidence thresholds required to predict the impact of this variant on COL11A1 protein function. In summary, the available evidence is currently insufficient to determine the role of this variant in disease. Therefore, it has been classified as a Variant of Uncertain Significance.